The following is an entry in ClinVar:

ClinVar aggregate classification (somatic clinical impact): Tier I - Strong (1 of 4 stars; one submission).

Conditions:
Embryonal rhabdomyosarcoma (ERMS). Also called: Botryoid rhabdomyosarcoma (type of ERMS); Spindle cell rhabdomyosarcomas (type of ERMS). Identifiers: Orphanet 99757, MedGen C0206656, MONDO:0009993, HP:0006743.

Submission:

Institute for Genomic Medicine (IGM) Clinical Laboratory, Nationwide Children's Hospital
Classification: Tier I - Strong for Embryonal rhabdomyosarcoma. Assertion type: diagnostic. Clinical significance: supports diagnosis. Last evaluated: 2025-10-17. Review status: criteria provided, single submitter. Criteria: AMP/ASCO/CAP Guidelines, 2017. Collection method: clinical testing. Allele origin: somatic. Affected: yes.
Comment: Variant has Tier I (strong) clinical significance as a diagnostic inclusion criterion in embryonal rhabdomyosarcoma, based on the following evidence: 1) Appears in one or more well-established professional guidelines (e.g., World Health Organization [WHO]; National Comprehensive Cancer Network [NCCN]) as providing diagnostic, prognostic, or therapeutic information. 2) Diagnostic for a specific tumor type/classification based on well-powered studies with expert-level consensus (Evidence Level B; PMIDs: 24436047, 34166060, 24332040, 25768946, 19809159, 35705560).

Literature cited by the submitters: PubMed 24436047; PubMed 34166060; PubMed 24332040; PubMed 25768946; PubMed 19809159; PubMed 35705560.

NM_213647.3(FGFR4):c.1597A>G (p.Ile533Val)

Gene: FGFR4 (fibroblast growth factor receptor 4; plus strand). Cytogenetic location: 5q35.2.
Variant type: single nucleotide variant.
Coding change: c.1597A>G on transcript NM_213647.3 (MANE Select); coding-DNA position 1597, A replaced by G.
Protein change: p.Ile533Val; replaces isoleucine 533 with valine.
Molecular consequence: missense variant.
Genome position (GRCh38, 1-based): chr5:177,095,407, A>G. VCF-style: chr5-177095407-A-G. GRCh37 (hg19) VCF-style: chr5-176522408-A-G.
Other names: c.1393A>G, p.Ile465Val (NM_001291980.2); c.1597A>G, p.Ile533Val (NM_001354984.2, NM_002011.5); c.1477A>G, p.Ile493Val (NM_022963.3); short protein forms I465V, I493V, I533V.
Identifiers: ClinVar variation 4530041 (VCV004530041.1).